The following is an entry in ClinVar:

NM_014244.5(ADAMTS2):c.122_123insTCTTATACACATCTGTGAT (p.Ala42fs)

Gene: ADAMTS2 (ADAM metallopeptidase with thrombospondin type 1 motif 2; minus strand). Cytogenetic location: 5q35.3.
Variant type: Insertion.
Coding change: c.122_123insTCTTATACACATCTGTGAT on transcript NM_014244.5 (MANE Select); coding-DNA positions 122 to 123, TCTTATACACATCTGTGAT inserted.
Protein change: p.Ala42fs; shifts the reading frame from alanine 42.
Molecular consequence: frameshift variant.
Genome position: GRCh38 VCF-style: chr5-179345206-G-GATCACAGATGTGTATAAGA. GRCh37 (hg19) VCF-style: chr5-178772207-G-GATCACAGATGTGTATAAGA.
Other names: c.122_123insTCTTATACACATCTGTGAT, p.Ala42fs (NM_021599.4); short protein forms A42fs.
Identifiers: ClinVar variation 5010685 (VCV005010685.1).

ClinVar aggregate classification (germline): Pathogenic (1 of 4 stars; one submission).

Conditions:
Ehlers-Danlos syndrome, dermatosparaxis type. Also called: EDS VIIC; Dermatosparaxis; Ehlers-Danlos syndrome, type VII, autosomal recessive. Identifiers: Orphanet 1901, MedGen C2700425, MONDO:0009161, OMIM 225410.

Submission:

Myriad Genetics, Inc.
Classification: Pathogenic for Ehlers-Danlos syndrome, dermatosparaxis type. Last evaluated: 2024-05-14. Review status: criteria provided, single submitter. Criteria: Myriad Autosomal Dominant, Autosomal Recessive and X-Linked Classification Criteria (2023). Collection method: clinical testing. Allele origin: unknown.
Comment: NM_014244.4(ADAMTS2):c.122_123ins19(A42Lfs*30) is expected to be pathogenic in the context of Ehlers-Danlos syndrome, ADAMTS2-related. This variant is predicted to lead to an abnormal or absent protein product due to the creation of a premature termination codon in ADAMTS2, a gene where loss-of-function variants are known to be pathogenic. Please note: this variant was assessed in the context of healthy population screening.